The following is an entry in ClinVar:

NM_018993.4(RIN2):c.2133G>A (p.Met711Ile)

Gene: RIN2 (Ras and Rab interactor 2; plus strand). Cytogenetic location: 20p11.23.
Variant type: single nucleotide variant.
Coding change: c.2133G>A on transcript NM_018993.4 (MANE Select); coding-DNA position 2133, G replaced by A.
Protein change: p.Met711Ile; replaces methionine 711 with isoleucine.
Molecular consequence: missense variant.
Genome position (GRCh38, 1-based): chr20:19,992,232, G>A. VCF-style: chr20-19992232-G-A. GRCh37 (hg19) VCF-style: chr20-19972876-G-A.
Other names: c.2280G>A, p.Met760Ile (NM_001242581.2); c.1515G>A, p.Met505Ile (NM_001378238.1); short protein forms M505I, M711I, M760I.
Identifiers: ClinVar variation 1479936 (VCV001479936.6), dbSNP rs2146395542, ClinGen allele CA408366130.
Genomic context (GRCh38, chr20:19,992,232, plus strand): 5'-GATGTATGGCGCTGATGACTTCTTGCCAGTCCTGACCTATGTCATAGCCCAGTGTGACAT[G>A]CTTGAATTGGACACTGAAATCGAGTACATGATGGAGCTCCTAGACCCATCGCTGTTACAT-3'
Protein context (NP_061866.1, residues 701-721): VLTYVIAQCD[Met711Ile]LELDTEIEYM

ClinVar aggregate classification (germline): Uncertain significance (1 of 4 stars; one submission).

Submission:

Labcorp Genetics (formerly Invitae), Labcorp
Classification: Uncertain significance. Last evaluated: 2023-10-13. Review status: criteria provided, single submitter. Criteria: Invitae Variant Classification Sherloc (09022015). Collection method: clinical testing. Allele origin: germline.
Comment: This sequence change replaces methionine, which is neutral and non-polar, with isoleucine, which is neutral and non-polar, at codon 711 of the RIN2 protein (p.Met711Ile). This variant is not present in population databases (gnomAD no frequency). This variant has not been reported in the literature in individuals affected with RIN2-related conditions. ClinVar contains an entry for this variant (Variation ID: 1479936). Experimental studies and prediction algorithms are not available or were not evaluated, and the functional significance of this variant is currently unknown. In summary, the available evidence is currently insufficient to determine the role of this variant in disease. Therefore, it has been classified as a Variant of Uncertain Significance.